The following is an entry in ClinVar:

ClinVar aggregate classification (germline): Likely benign. Review status: criteria provided, single submitter (1 of 4 stars). 2 submissions from 2 submitters: Likely benign (1). 1 of the submissions does not count toward it. Last evaluated 2019-06-07.

Conditions:
PKD1-related disorder. Also called: PKD1-related condition.
Polycystic kidney disease, adult type (PKD1). Also called: POLYCYSTIC KIDNEY DISEASE 1 WITH OR WITHOUT POLYCYSTIC LIVER DISEASE; POLYCYSTIC KIDNEY DISEASE, ADULT, TYPE I; Polycystic Kidney, Autosomal Dominant; Polycystic Kidney Disease 1, Autosomal Dominant; Polycystic kidney disease 1; Polycystic kidney disease 1, severe. Identifiers: MedGen C3149841, MONDO:0008263, OMIM 173900.

Allele frequency attached by ClinVar (database versions not stated): TOPMed 0.00001.

Submissions (2):

ARUP Laboratories, Molecular Genetics and Genomics, ARUP Laboratories
Classification: Likely benign for Polycystic kidney disease, adult type. Last evaluated: 2019-06-07. Review status: criteria provided, single submitter. Criteria: ARUP Molecular Germline Variant Investigation Process. Collection method: clinical testing. Allele origin: germline.

PreventionGenetics, part of Exact Sciences
Classification: Likely benign for PKD1-related condition. Last evaluated: 2023-06-23. Review status: no assertion criteria provided. Collection method: clinical testing. Allele origin: germline. Not counted in ClinVar's aggregate classification.
Comment: This variant is classified as likely benign based on ACMG/AMP sequence variant interpretation guidelines (Richards et al. 2015 PMID: 25741868, with internal and published modifications).

NM_001009944.3(PKD1):c.45G>C (p.Leu15=)

Gene: PKD1 (polycystin 1, transient receptor potential channel interacting; minus strand). Cytogenetic location: 16p13.3.
Variant type: single nucleotide variant.
Coding change: c.45G>C on transcript NM_001009944.3 (MANE Select); coding-DNA position 45, G replaced by C.
Protein change: p.Leu15=; no amino-acid change (leucine 15 retained).
Molecular consequence: synonymous variant.
Genome position (GRCh38, 1-based): chr16:2,135,645, C>G on the plus strand (G>C on the coding strand, the complement: PKD1 is on the minus strand). VCF-style: chr16-2135645-C-G. GRCh37 (hg19) VCF-style: chr16-2185646-C-G.
Other names: c.45G>C (NM_001009944.2); c.45G>C, p.Leu15= (NM_000296.4).
Identifiers: ClinVar variation 811470 (VCV000811470.10), dbSNP rs1208066805, ClinGen allele CA492950145.